The following is an entry in ClinVar:

ClinVar aggregate classification (germline): Uncertain significance (1 of 4 stars; one submission).

Submission:

Labcorp Genetics (formerly Invitae), Labcorp
Classification: Uncertain significance. Last evaluated: 2025-04-23. Review status: criteria provided, single submitter. Criteria: Invitae Variant Classification Sherloc (09022015). Collection method: clinical testing. Allele origin: germline.
Comment: This sequence change replaces asparagine, which is neutral and polar, with histidine, which is basic and polar, at codon 561 of the IRF2BP2 protein (p.Asn561His). This variant is present in population databases (no rsID available, gnomAD 0.003%). This variant has not been reported in the literature in individuals affected with IRF2BP2-related conditions. An algorithm developed to predict the effect of missense changes on protein structure and function (PolyPhen-2) suggests that this variant is likely to be disruptive. In summary, the available evidence is currently insufficient to determine the role of this variant in disease. Therefore, it has been classified as a Variant of Uncertain Significance.

NM_182972.3(IRF2BP2):c.1681A>C (p.Asn561His)

Gene: IRF2BP2 (interferon regulatory factor 2 binding protein 2; minus strand). Cytogenetic location: 1q42.3.
Variant type: single nucleotide variant.
Coding change: c.1681A>C on transcript NM_182972.3 (MANE Select); coding-DNA position 1681, A replaced by C.
Protein change: p.Asn561His; replaces asparagine 561 with histidine.
Molecular consequence: missense variant.
Genome position (GRCh38, 1-based): chr1:234,607,220, T>G on the plus strand (A>C on the coding strand, the complement: IRF2BP2 is on the minus strand). VCF-style: chr1-234607220-T-G. GRCh37 (hg19) VCF-style: chr1-234742966-T-G.
Other names: c.1633A>C, p.Asn545His (NM_001077397.1); short protein forms N545H, N561H.
Identifiers: ClinVar variation 4807101 (VCV004807101.1).
Genomic context (GRCh38, chr1:234,607,220, plus strand): 5'-CTTTCACATCTCCAGCAAGGATGGTTGCAATTTCCCCTTGCATAAAGGCCCAGGGGACAT[T>G]GGAGCCCACAAGAGGGCATTTTTCCCCACTGGGACAATAGACCTCTCCACTAGCTCCCTG-3'
Protein context (NP_892017.2, residues 551-571): SGEKCPLVGS[Asn561His]VPWAFMQGEI